The following is an entry in ClinVar:

ClinVar aggregate classification (germline): Pathogenic/Likely pathogenic. Review status: criteria provided, multiple submitters, no conflicts (2 of 4 stars). 3 submissions from 3 submitters: Pathogenic (1); Likely pathogenic (1). 1 of the submissions does not count toward it. Last evaluated 2023-07-26.

Conditions:
von Willebrand disease type 3 (VWD3). Also called: Type 3 Von Willebrand's disease; Type 3 VWD; Von Willebrand disease, severe form; V WD3; VON WILLEBRAND DISEASE, TYPE III. Identifiers: Orphanet 166096, MedGen C1264041, MONDO:0010191, OMIM 277480.
von Willebrand disease type 1 (VWD1). Also called: VON WILLEBRAND DISEASE, TYPE I; VWD, TYPE 1. Identifiers: Orphanet 166078, Orphanet 903, MedGen C1264039, MONDO:0008668, OMIM 193400. Inheritance: autosomal recessive or autosomal dominant.

Submissions (3):

Department of Pathology and Laboratory Medicine, Sinai Health System
Classification: Likely pathogenic for von Willebrand disease type 1; von Willebrand disease type 3. Last evaluated: 2023-07-26. Review status: criteria provided, single submitter. Criteria: ACMG Guidelines, 2015. Collection method: research. Allele origin: germline.

Quest Diagnostics Nichols Institute San Juan Capistrano
Classification: Pathogenic. Last evaluated: 2022-12-05. Review status: criteria provided, single submitter. Criteria: Quest Diagnostics criteria. Collection method: clinical testing. Allele origin: unknown.
Comment: This nonsense variant causes the premature termination of VWF protein synthesis. This variant has not been reported in large, multi-ethnic general populations. In the published literature, the variant has been reported in individuals with von Willebrand disease (VWD) type 3 (PMIDs: 19500169 (2009), 23311757 (2013)). Based on the available information, this variant is classified as pathogenic.

Angelo Bianchi Bonomi Hemophilia and Thrombosis Center, Fondazione IRCCS Ca Granda Ospedale Maggiore Policlinico
Classification: Pathogenic for von Willebrand disease type 3. Last evaluated: 2021-04-12. Review status: no assertion criteria provided. Collection method: clinical testing. Allele origin: germline. Affected: yes. Study: Type 3 Von Willebrand International Registries Inhibitor Prospective Study (3WINTERS-IPS). Not counted in ClinVar's aggregate classification.

Literature cited by the submitters: PubMed 19500169 (cited by Quest Diagnostics Nichols Institute San Juan Capistrano); PubMed 23311757 (cited by Quest Diagnostics Nichols Institute San Juan Capistrano); PubMed 22102206 (cited by Quest Diagnostics Nichols Institute San Juan Capistrano).

NM_000552.5(VWF):c.2377C>T (p.Gln793Ter)

Gene: VWF (von Willebrand factor; minus strand). Cytogenetic location: 12p13.31.
Variant type: single nucleotide variant.
Coding change: c.2377C>T on transcript NM_000552.5 (MANE Select); coding-DNA position 2377, C replaced by T.
Protein change: p.Gln793Ter; replaces glutamine 793 with a stop codon.
Molecular consequence: nonsense.
Genome position (GRCh38, 1-based): chr12:6,044,356, G>A on the plus strand (C>T on the coding strand, the complement: VWF is on the minus strand). VCF-style: chr12-6044356-G-A. GRCh37 (hg19) VCF-style: chr12-6153522-G-A.
Other names: c.2377C>T (NM_000552.4); short protein forms Q793*.
Identifiers: ClinVar variation 1065275 (VCV001065275.4), dbSNP rs2136440316, ClinGen allele CA383522113.